The following is an entry in ClinVar:

ClinVar aggregate classification (germline): Uncertain significance (1 of 4 stars; one submission).

Conditions:
GRN-related frontotemporal lobar degeneration with Tdp43 inclusions (FTD2). Also called: DEMENTIA, HEREDITARY DYSPHASIC DISINHIBITION; FRONTOTEMPORAL LOBAR DEGENERATION WITH UBIQUITIN-POSITIVE INCLUSIONS; FTLD-TDP, GRN-RELATED; GRN Frontotemporal Dementia; FRONTOTEMPORAL DEMENTIA WITH TDP43 INCLUSIONS, GRN-RELATED. Identifiers: Orphanet 100070, Orphanet 282, MedGen C1843792, MONDO:0011842, OMIM 607485. Disease mechanism: loss of function.
Neuronal ceroid lipofuscinosis 11. Also called: GRN-Related Neuronal Ceroid-Lipofuscinosis. Identifiers: Orphanet 314629, Orphanet 79262, MedGen C3539123, MONDO:0013866, OMIM 614706.

Submission:

Labcorp Genetics (formerly Invitae), Labcorp
Classification: Uncertain significance for Neuronal ceroid lipofuscinosis 11; GRN-related frontotemporal lobar degeneration with Tdp43 inclusions. Last evaluated: 2022-07-21. Review status: criteria provided, single submitter. Criteria: Invitae Variant Classification Sherloc (09022015). Collection method: clinical testing. Allele origin: germline.
Comment: In summary, the available evidence is currently insufficient to determine the role of this variant in disease. Therefore, it has been classified as a Variant of Uncertain Significance. Algorithms developed to predict the effect of missense changes on protein structure and function are either unavailable or do not agree on the potential impact of this missense change (SIFT: "Deleterious"; PolyPhen-2: "Benign"; Align-GVGD: "Class C0"). This variant has not been reported in the literature in individuals affected with GRN-related conditions. This variant is not present in population databases (gnomAD no frequency). This sequence change replaces histidine, which is basic and polar, with arginine, which is basic and polar, at codon 71 of the GRN protein (p.His71Arg).

NM_002087.4(GRN):c.212A>G (p.His71Arg)

Gene: GRN (granulin precursor; plus strand). Cytogenetic location: 17q21.31.
Variant type: single nucleotide variant.
Coding change: c.212A>G on transcript NM_002087.4 (MANE Select); coding-DNA position 212, A replaced by G.
Protein change: p.His71Arg; replaces histidine 71 with arginine.
Molecular consequence: missense variant.
Genome position (GRCh38, 1-based): chr17:44,349,499, A>G. VCF-style: chr17-44349499-A-G. GRCh37 (hg19) VCF-style: chr17-42426867-A-G.
Other names: short protein forms H71R.
Identifiers: ClinVar variation 2009922 (VCV002009922.4), dbSNP rs2510054527, ClinGen allele CA399759843.